The following is an entry in ClinVar:

ClinVar aggregate classification (germline): Uncertain significance (1 of 4 stars; one submission).

Submission:

Women's Health and Genetics/Laboratory Corporation of America, LabCorp
Classification: Uncertain significance. Last evaluated: 2021-11-07. Review status: criteria provided, single submitter. Criteria: LabCorp Variant Classification Summary - May 2015. Collection method: clinical testing. Allele origin: germline.
Comment: Variant summary: ABCC8 c.214A>G (p.Asn72Asp) results in a conservative amino acid change in the encoded protein sequence. Three of five in-silico tools predict a damaging effect of the variant on protein function. The variant was absent in 251386 control chromosomes. The available data on variant occurrences in the general population are insufficient to allow any conclusion about variant significance. c.214A>G has been reported in the literature as a heterozygous genotype in one individual affected with Pulmonary hypertension but not reported as having Familial Hyperinsulinism (example, Bohnen_2018). These report(s) do not provide unequivocal conclusions about association of the variant with Familial Hyperinsulinism. To our knowledge, no experimental evidence demonstrating an impact on protein function has been reported. No clinical diagnostic laboratories have submitted clinical-significance assessments for this variant to ClinVar after 2014. Based on the evidence outlined above, the variant was classified as uncertain significance.

Literature cited by the submitters: PubMed 30354297.

NM_000352.6(ABCC8):c.214A>G (p.Asn72Asp)

Gene: ABCC8 (ATP binding cassette subfamily C member 8; minus strand). Cytogenetic location: 11p15.1.
Variant type: single nucleotide variant.
Coding change: c.214A>G on transcript NM_000352.6 (MANE Select); coding-DNA position 214, A replaced by G.
Protein change: p.Asn72Asp; replaces asparagine 72 with aspartic acid.
Molecular consequence: missense variant. On other transcripts: non-coding transcript variant (1).
Genome position (GRCh38, 1-based): chr11:17,474,962, T>C on the plus strand (A>G on the coding strand, the complement: ABCC8 is on the minus strand). VCF-style: chr11-17474962-T-C. GRCh37 (hg19) VCF-style: chr11-17496509-T-C.
Other names: c.214A>G, p.Asn72Asp (NM_001287174.3, NM_001351295.2, NM_001351296.2 and 1 more transcripts); short protein forms N72D.
Identifiers: ClinVar variation 1328988 (VCV001328988.1), dbSNP rs2133728894, ClinGen allele CA379787908.